The following is an entry in ClinVar:

ClinVar aggregate classification (germline): Pathogenic (1 of 4 stars; one submission).

Conditions:
Cerebral cavernous malformation (CCM). Also called: CAVERNOUS ANGIOMA, FAMILIAL; CAVERNOUS ANGIOMATOUS MALFORMATIONS; CEREBRAL CAPILLARY MALFORMATIONS; Cerebral cavernous malformations; Cavernous Hemangioma of Brain; Cerebral cavernous hemangioma (type). Identifiers: Orphanet 221061, MedGen C2919945, MONDO:0000820, OMIM 116860, HP:0033522.

Submission:

Labcorp Genetics (formerly Invitae), Labcorp
Classification: Pathogenic for Cerebral cavernous malformation. Last evaluated: 2017-08-28. Review status: criteria provided, single submitter. Criteria: Invitae Variant Classification Sherloc (09022015). Collection method: clinical testing. Allele origin: germline.
Comment: This variant is not present in population databases (ExAC no frequency). For these reasons, this variant has been classified as Pathogenic. Donor and acceptor splice site variants typically lead to a loss of protein function (PMID: 16199547), and loss-of-function variants in KRIT1 are known to be pathogenic (PMID: 10508515, 11222804, 12404106). This variant has been reported in individuals affected with cerebral cavernous malformations (PMID: 15079030, 23595507). It is also known as IVS8-2A>G in the literature. This sequence change affects an acceptor splice site in intron 9 of the KRIT1 gene. It is expected to disrupt RNA splicing and likely results in an absent or disrupted protein product.

Literature cited by the submitters: PubMed 16199547; PubMed 10508515; PubMed 11222804; PubMed 12404106; PubMed 15079030; PubMed 23595507.

NM_194454.3(KRIT1):c.730-2A>G

Gene: KRIT1 (KRIT1 ankyrin repeat containing; minus strand). Cytogenetic location: 7q21.2.
Variant type: single nucleotide variant.
Coding change: c.730-2A>G on transcript NM_194454.3 (MANE Select); the canonical splice acceptor site of the intron before coding-DNA position 730, A replaced by G.
Molecular consequence: splice acceptor variant.
Genome position (GRCh38, 1-based): chr7:92,234,925, T>C on the plus strand (A>G on the coding strand, the complement: KRIT1 is on the minus strand). VCF-style: chr7-92234925-T-C. GRCh37 (hg19) VCF-style: chr7-91864239-T-C.
Other names: c.730-2A>G (NM_001350672.1, NM_001350676.1, NM_001350673.1 and 29 more transcripts); c.16-2A>G (NM_001350671.1).
Identifiers: ClinVar variation 468218 (VCV000468218.9), dbSNP rs1554527925, ClinGen allele CA368159113.